The following is an entry in ClinVar:

ClinVar aggregate classification (germline): Likely benign (1 of 4 stars; one submission).

gnomAD v4.1: 2,445 of 1,613,856 alleles (0.15%); highest among the groups gnomAD compares: East Asian, 0.45%; 34 homozygotes.

Submission:

CeGaT Center for Human Genetics Tuebingen
Classification: Likely benign. Last evaluated: 2025-05-01. Review status: criteria provided, single submitter. Criteria: CeGaT Center For Human Genetics Tuebingen Variant Classification Criteria Version 2. Collection method: clinical testing. Allele origin: germline. Affected: yes. Observed: 2 variant alleles.
Comment: POLR1B: BP4, BS1

NM_019014.6(POLR1B):c.971C>T (p.Ala324Val)

Gene: POLR1B (RNA polymerase I subunit B; plus strand). Cytogenetic location: 2q14.1.
Variant type: single nucleotide variant.
Coding change: c.971C>T on transcript NM_019014.6 (MANE Select); coding-DNA position 971, C replaced by T.
Protein change: p.Ala324Val; replaces alanine 324 with valine.
Molecular consequence: missense variant.
Genome position (GRCh38, 1-based): chr2:112,551,983, C>T. VCF-style: chr2-112551983-C-T. GRCh37 (hg19) VCF-style: chr2-113309560-C-T.
Other names: c.803C>T, p.Ala268Val (NM_001137604.3); c.1085C>T, p.Ala362Val (NM_001282772.2); c.971C>T, p.Ala324Val (NM_001282774.2, NM_001371969.1); c.338C>T, p.Ala113Val (NM_001282776.2, NM_001371971.1); c.554C>T, p.Ala185Val (NM_001282777.2, NM_001282779.2, NM_001371970.1); short protein forms A113V, A185V, A268V, A324V, A362V.
Identifiers: ClinVar variation 3387999 (VCV003387999.14).
Genomic context (GRCh38, chr2:112,551,983, plus strand): 5'-TAGGTGAATGCTTCAGAGTAAAACTCAATGTTCCTGACTGGTACCCAAATGAGCAAGCTG[C>T]GGAGTTCCTGTTTAAGTATGTGTGCTTTGTCTAAACTGTTTTTGGAGGGGCGGAGGGCTG-3'
Protein context (NP_061887.2, residues 314-334): VPDWYPNEQA[Ala324Val]EFLFNQCICI